The following is an entry in ClinVar:

ClinVar aggregate classification (germline): Benign/Likely benign. Review status: criteria provided, multiple submitters, no conflicts (2 of 4 stars). 5 submissions from 5 submitters: Benign (3); Likely benign (2). Last evaluated 2026-02-01.

Conditions:
Cardiovascular phenotype. Identifiers: MedGen CN230736.
Familial thoracic aortic aneurysm and aortic dissection (TAAD). Also called: Thoracic aortic aneurysms and dissections. Identifiers: Orphanet 91387, MedGen C4707243, MONDO:0019625.
Congenital primary aphakia. Also called: Anterior segment dysgenesis 2, multiple subtypes; ANTERIOR SEGMENT DYSGENESIS 2. Identifiers: Orphanet 83461, MedGen C1853230, MONDO:0012456, OMIM 610256.
Anterior segment dysgenesis. Also called: Ocular anterior segment dysgenesis. Identifiers: Orphanet 88632, MedGen C1862839, MONDO:0019503, HP:0007700.

Allele frequency attached by ClinVar (database versions not stated): ExAC below 0.00001; gnomAD exomes 0.00030; gnomAD 0.00050 and 0.00083; TOPMed 0.00084; 1000 Genomes Project 30x 0.00609; 1000 Genomes Project 0.00659.

Submissions (5):

Labcorp Genetics (formerly Invitae), Labcorp
Classification: Benign for Anterior segment dysgenesis; Congenital primary aphakia. Last evaluated: 2026-02-01. Review status: criteria provided, single submitter. Criteria: Invitae Variant Classification Sherloc (09022015). Collection method: clinical testing. Allele origin: germline.

Blueprint Genetics
Classification: Likely benign. Last evaluated: 2024-11-01. Review status: criteria provided, single submitter. Criteria: ACMG Guidelines, 2015. Collection method: clinical testing. Allele origin: germline.

CHEO Genetics Diagnostic Laboratory, Children's Hospital of Eastern Ontario
Classification: Benign for Familial thoracic aortic aneurysm and aortic dissection. Last evaluated: 2023-05-10. Review status: criteria provided, single submitter. Criteria: ACMG Guidelines, 2015. Collection method: clinical testing. Allele origin: germline.

Ambry Genetics
Classification: Benign for Cardiovascular phenotype. Last evaluated: 2019-05-29. Review status: criteria provided, single submitter. Criteria: Ambry Variant Classification Scheme 2023. Collection method: clinical testing. Allele origin: germline.

GeneDx
Classification: Likely benign. Last evaluated: 2018-09-13. Review status: criteria provided, single submitter. Criteria: GeneDx Variant Classification Process June 2021. Collection method: clinical testing. Allele origin: germline. Affected: yes.
Comment: This variant is associated with the following publications: (PMID: 20140963)

NM_012186.3(FOXE3):c.158C>T (p.Pro53Leu)

Genes: FOXE3 (forkhead box E3; plus strand), LINC01389 (long independently transcribed non-coding RNA 1389; minus strand). Cytogenetic location: 1p33.
Variant type: single nucleotide variant.
Coding change: c.158C>T on transcript NM_012186.3 (MANE Select); coding-DNA position 158, C replaced by T.
Protein change: p.Pro53Leu; replaces proline 53 with leucine.
Molecular consequence: missense variant.
Genome position (GRCh38, 1-based): chr1:47,416,473, C>T. VCF-style: chr1-47416473-C-T. GRCh37 (hg19) VCF-style: chr1-47882145-C-T.
Other names: short protein forms P53L.
Identifiers: ClinVar variation 707467 (VCV000707467.17), dbSNP rs534479543, ClinGen allele CA842909.
Genomic context (GRCh38, chr1:47,416,473, plus strand): 5'-CAGGAGCCGAGCCAGGGCGGGAGCCAGAGGAGGCGGCGGCTGGCCGCGGAGAGGCGGCCC[C>T]CACGCCCGCGCCCGGCCCGGGGCGGCGGCGGCGGCGGCCCCTGCAGCGCGGGAAGCCGCC-3'
Protein context (NP_036318.1, residues 43-63): EAAAGRGEAA[Pro53Leu]TPAPGPGRRR